The following is an entry in ClinVar:

ClinVar aggregate classification (germline): Likely pathogenic (1 of 4 stars; one submission).

Conditions:
Developmental and epileptic encephalopathy. Identifiers: MedGen C5779964, MONDO:0100620.

Submission:

Labcorp Genetics (formerly Invitae), Labcorp
Classification: Likely pathogenic for Early-infantile DEE. Last evaluated: 2022-07-01. Review status: criteria provided, single submitter. Criteria: Invitae Variant Classification Sherloc (09022015). Collection method: clinical testing. Allele origin: germline.
Comment: In summary, the currently available evidence indicates that the variant is pathogenic, but additional data are needed to prove that conclusively. Therefore, this variant has been classified as Likely Pathogenic. This variant has not been reported in the literature in individuals affected with ST3GAL3-related conditions. This variant results in a copy number gain of the genomic region encompassing exon(s) 3-9 of the ST3GAL3 gene. While the exact position of this variant cannot be determined from the data, sub-genic copy number gains are generally in tandem (PMID: 25640679). This variant is predicted to be out-of-frame, and may result in an absent or disrupted protein product. Loss-of-function variants in ST3GAL3 are known to be pathogenic (PMID: 31584066).

Literature cited by the submitters: PubMed 25640679; PubMed 31584066.

NC_000001.10:g.(?_44257753)_(44365419_?)dup

Gene: ST3GAL3 (ST3 beta-galactoside alpha-2,3-sialyltransferase 3; plus strand). Cytogenetic location: 1p34.1.
Variant type: Duplication.
Identifiers: ClinVar variation 833055 (VCV000833055.7).